The following is an entry in ClinVar:

ClinVar aggregate classification (germline): Uncertain significance (1 of 4 stars; one submission).

Submission:

Labcorp Genetics (formerly Invitae), Labcorp
Classification: Uncertain significance. Last evaluated: 2022-08-31. Review status: criteria provided, single submitter. Criteria: Invitae Variant Classification Sherloc (09022015). Collection method: clinical testing. Allele origin: germline.
Comment: In summary, the available evidence is currently insufficient to determine the role of this variant in disease. Therefore, it has been classified as a Variant of Uncertain Significance. Algorithms developed to predict the effect of missense changes on protein structure and function (SIFT, PolyPhen-2, Align-GVGD) all suggest that this variant is likely to be disruptive. This variant has not been reported in the literature in individuals affected with NACC1-related conditions. This variant is not present in population databases (gnomAD no frequency). This sequence change replaces serine, which is neutral and polar, with phenylalanine, which is neutral and non-polar, at codon 125 of the NACC1 protein (p.Ser125Phe).

NM_052876.4(NACC1):c.374C>T (p.Ser125Phe)

Gene: NACC1 (nucleus accumbens associated 1; plus strand). Cytogenetic location: 19p13.13.
Variant type: single nucleotide variant.
Coding change: c.374C>T on transcript NM_052876.4 (MANE Select); coding-DNA position 374, C replaced by T.
Protein change: p.Ser125Phe; replaces serine 125 with phenylalanine.
Molecular consequence: missense variant.
Genome position (GRCh38, 1-based): chr19:13,135,581, C>T. VCF-style: chr19-13135581-C-T. GRCh37 (hg19) VCF-style: chr19-13246395-C-T.
Other names: short protein forms S125F.
Identifiers: ClinVar variation 2096166 (VCV002096166.4), dbSNP rs2513135580, ClinGen allele CA404325235.